The following is an entry in ClinVar:

ClinVar aggregate classification (germline): Uncertain significance. Review status: criteria provided, multiple submitters, no conflicts (2 of 4 stars). 4 submissions from 4 submitters: Uncertain significance (4). Last evaluated 2025-06-25.

Conditions:
Autosomal recessive limb-girdle muscular dystrophy type 2J (LGMDR10). Also called: Limb-girdle muscular dystrophy, type 2J; MUSCULAR DYSTROPHY, LIMB-GIRDLE, AUTOSOMAL RECESSIVE 10. Identifiers: Orphanet 140922, MedGen C1837342, MONDO:0012127, OMIM 608807.
Dilated cardiomyopathy 1G (CMD1G). Identifiers: Orphanet 154, MedGen C1858763, MONDO:0011400, OMIM 604145.
Myopathy, myofibrillar, 9, with early respiratory failure (MFM9). Also called: EDSTROM MYOPATHY; MYOPATHY, PROXIMAL, WITH EARLY RESPIRATORY MUSCLE INVOLVEMENT; Hereditary myopathy with early respiratory failure; Myopathy, distal, with early respiratory failure, autosomal dominant. Identifiers: Orphanet 178464, Orphanet 34521, MedGen C1863599, MONDO:0011362, OMIM 603689.
Hypertrophic cardiomyopathy 9. Also called: Familial hypertrophic cardiomyopathy 9. Identifiers: MedGen C1861065, MONDO:0013412, OMIM 613765.
Early-onset myopathy with fatal cardiomyopathy (CMYO5). Also called: Salih Myopathy; CONGENITAL MYOPATHY 5 WITH CARDIOMYOPATHY. Identifiers: Orphanet 289377, MedGen C2673677, MONDO:0012714, OMIM 611705. Disease mechanism: loss of function.
Tibial muscular dystrophy (TMD). Also called: UDD MYOPATHY; Tibial muscular dystrophy, tardive; Udd Distal Myopathy – Tibial Muscular Dystrophy. Identifiers: Orphanet 609, MedGen C1838244, MONDO:0010870, OMIM 600334.

Allele frequency attached by ClinVar (database versions not stated): gnomAD 0.00001; TOPMed 0.00001; ExAC 0.00002; gnomAD exomes 0.00002.
gnomAD v4.1: 14 of 1,612,876 alleles (0.00087%); highest among the groups gnomAD compares: South Asian, 0.0011%; no homozygotes.

Submissions (4):

GeneDx
Classification: Uncertain significance. Last evaluated: 2025-06-25. Review status: criteria provided, single submitter. Criteria: GeneDx Variant Classification Process June 2021. Collection method: clinical testing. Allele origin: germline. Affected: yes.
Comment: Not observed at significant frequency in large population cohorts (gnomAD); Missense variant in a gene in which most reported pathogenic variants are truncating/loss of function; Has not been previously published as pathogenic or benign to our knowledge

Mayo Clinic Laboratories, Mayo Clinic
Classification: Uncertain significance. Last evaluated: 2025-04-29. Review status: criteria provided, single submitter. Criteria: ACMG Guidelines, 2015. Collection method: clinical testing. Allele origin: germline. Observed: 1 variant allele.
Comment: BP4

Fulgent Genetics
Classification: Uncertain significance for Tibial muscular dystrophy; Myopathy, myofibrillar, 9, with early respiratory failure; Dilated cardiomyopathy 1G; Autosomal recessive limb-girdle muscular dystrophy type 2J; Early-onset myopathy with fatal cardiomyopathy; Hypertrophic cardiomyopathy 9. Last evaluated: 2021-09-03. Review status: criteria provided, single submitter. Criteria: ACMG Guidelines, 2015. Collection method: clinical testing. Allele origin: unknown.

Labcorp Genetics (formerly Invitae), Labcorp
Classification: Uncertain significance for Dilated cardiomyopathy 1G; Autosomal recessive limb-girdle muscular dystrophy type 2J. Last evaluated: 2017-12-20. Review status: criteria provided, single submitter. Criteria: Invitae Variant Classification Sherloc (09022015). Collection method: clinical testing. Allele origin: germline.

Literature cited by the submitters: PubMed 39277846 (cited by Mayo Clinic Laboratories, Mayo Clinic).

NM_001267550.2(TTN):c.51377A>G (p.Lys17126Arg)

Genes: TTN (titin; minus strand), TTN-AS1 (TTN antisense RNA 1; plus strand). Cytogenetic location: 2q31.2.
Variant type: single nucleotide variant.
Coding change: c.51377A>G on transcript NM_001267550.2 (MANE Select); coding-DNA position 51377, A replaced by G.
Protein change: p.Lys17126Arg; replaces lysine 17126 with arginine.
Molecular consequence: missense variant.
Genome position (GRCh38, 1-based): chr2:178,610,149, T>C on the plus strand (A>G on the coding strand, the complement: TTN is on the minus strand). VCF-style: chr2-178610149-T-C. GRCh37 (hg19) VCF-style: chr2-179474876-T-C.
Other names: p.Lys14558Arg; c.46454A>G, p.Lys15485Arg (NM_001256850.1); c.24182A>G, p.Lys8061Arg (NM_003319.4); c.43673A>G, p.Lys14558Arg (NM_133378.4); c.24557A>G, p.Lys8186Arg (NM_133432.3); c.24758A>G, p.Lys8253Arg (NM_133437.4); c.51377A>G (NM_001267550.1); short protein forms K17126R, K15485R, K14558R, K8061R, K8186R, K8253R.
Identifiers: ClinVar variation 467236 (VCV000467236.6), dbSNP rs757728544, ClinGen allele CA1994214.